The following is an entry in ClinVar:

ClinVar aggregate classification (germline): Uncertain significance. Review status: criteria provided, multiple submitters, no conflicts (2 of 4 stars). 3 submissions from 3 submitters: Uncertain significance (3). Last evaluated 2026-06-22.

Conditions:
Ehlers-Danlos syndrome, classic type, 1 (EDSCL1). Also called: Ehlers-Danlos Syndrome, Classic Type, COL5A1-Related; Ehlers-Danlos syndrome, type 1; EDS I; EHLERS-DANLOS SYNDROME, GRAVIS TYPE; EHLERS-DANLOS SYNDROME, SEVERE CLASSIC TYPE. Identifiers: MedGen C0268335, MONDO:0019567, OMIM 130000.
Familial thoracic aortic aneurysm and aortic dissection (TAAD). Also called: Thoracic aortic aneurysms and dissections. Identifiers: Orphanet 91387, MedGen C4707243, MONDO:0019625.

Allele frequency attached by ClinVar (database versions not stated): TOPMed below 0.00001; gnomAD 0.00001.
gnomAD v4.1: 1 of 1,613,426 alleles (0.000062%); highest among the groups gnomAD compares: Non-Finnish European, 0.000085%; no homozygotes.

Submissions (3):

Ambry Genetics
Classification: Uncertain significance for Familial thoracic aortic aneurysm and aortic dissection. Last evaluated: 2026-06-22. Review status: criteria provided, single submitter. Criteria: Ambry Variant Classification Scheme 2023. Collection method: clinical testing. Allele origin: germline.
Comment: The p.P1533A variant (also known as c.4597C>G), located in coding exon 59 of the COL5A1 gene, results from a C to G substitution at nucleotide position 4597. The proline at codon 1533 is replaced by alanine, an amino acid with highly similar properties. This amino acid position is conserved. In addition, the in silico prediction for this alteration is inconclusive. Based on the available evidence, the clinical significance of this variant remains unclear.

Labcorp Genetics (formerly Invitae), Labcorp
Classification: Uncertain significance for Ehlers-Danlos syndrome, classic type, 1. Last evaluated: 2025-11-09. Review status: criteria provided, single submitter. Criteria: Invitae Variant Classification Sherloc (09022015). Collection method: clinical testing. Allele origin: germline.
Comment: This sequence change replaces proline, which is neutral and non-polar, with alanine, which is neutral and non-polar, at codon 1533 of the COL5A1 protein (p.Pro1533Ala). This variant is not present in population databases (gnomAD no frequency). This variant has not been reported in the literature in individuals affected with COL5A1-related conditions. ClinVar contains an entry for this variant (Variation ID: 1320460). Invitae Evidence Modeling of protein sequence and biophysical properties (such as structural, functional, and spatial information, amino acid conservation, physicochemical variation, residue mobility, and thermodynamic stability) indicates that this missense variant is not expected to disrupt COL5A1 protein function with a negative predictive value of 95%. In summary, the available evidence is currently insufficient to determine the role of this variant in disease. Therefore, it has been classified as a Variant of Uncertain Significance.

GeneDx
Classification: Uncertain significance. Last evaluated: 2021-02-24. Review status: criteria provided, single submitter. Criteria: GeneDx Variant Classification Process June 2021. Collection method: clinical testing. Allele origin: germline. Affected: yes.
Comment: Has not been previously published as pathogenic or benign to our knowledge; Not observed in large population cohorts (Lek et al., 2016); In silico analysis supports that this missense variant has a deleterious effect on protein structure/function; Occurs in the triple helical domain at the Y position in the canonical Gly-X-Y repeat; although this variant may have an effect on normal protein folding and function, missense substitution at the Y position is not a common mechanism of disease (Symoens et al., 2012; Stenson et al., 2014)

NM_000093.5(COL5A1):c.4597C>G (p.Pro1533Ala)

Genes: COL5A1 (collagen type V alpha 1 chain; plus strand), LOC101448202 (uncharacterized LOC101448202; minus strand). Cytogenetic location: 9q34.3.
Variant type: single nucleotide variant.
Coding change: c.4597C>G on transcript NM_000093.5 (MANE Select); coding-DNA position 4597, C replaced by G.
Protein change: p.Pro1533Ala; replaces proline 1533 with alanine.
Molecular consequence: missense variant.
Genome position (GRCh38, 1-based): chr9:134,822,139, C>G. VCF-style: chr9-134822139-C-G. GRCh37 (hg19) VCF-style: chr9-137713985-C-G.
Other names: c.4597C>G, p.Pro1533Ala (NM_001278074.1); short protein forms P1533A.
Identifiers: ClinVar variation 1320460 (VCV001320460.10), dbSNP rs1839028918, ClinGen allele CA375458037.
Genomic context (GRCh38, chr9:134,822,139, plus strand): 5'-TTTTCTGGTCCTTTTCAGGGTATCACTGGTCCTTCTGGCCCGATTGGGCCTCCTGGGCCC[C>G]CTGGCCTGCCGGTGTGTATCTGGGAGGGGCTTGGTCATTCCTGGGAGGGCAGGGAGGGTG-3'
Protein context (NP_000084.3, residues 1523-1543): PSGPIGPPGP[Pro1533Ala]GLPGPPGPKG